The following is an entry in ClinVar:

NM_007194.4(CHEK2):c.495del (p.Asn166fs)

Gene: CHEK2 (checkpoint kinase 2; minus strand). Cytogenetic location: 22q12.1.
Variant type: Deletion.
Coding change: c.495del on transcript NM_007194.4 (MANE Select); coding-DNA position 495, one base deleted (C; older notation c.495delC).
Protein change: p.Asn166fs; shifts the reading frame from asparagine 166.
Molecular consequence: frameshift variant. On other transcripts: 5 prime UTR variant (2), intron variant (1).
Genome position (GRCh38, 1-based): chr22:28,725,074, G deleted on the plus strand (C on the coding strand, the reverse complement: CHEK2 is on the minus strand). VCF-style (leftmost placement, unchanged base first): chr22-28725073-TG-T. GRCh37 (hg19) VCF-style: chr22-29121061-TG-T.
Other names: c.624del, p.Asn209fs (NM_001005735.3, NM_001438294.1); c.-283del (NM_001257387.3); c.-169del (NM_001437942.1); c.588del, p.Asn197fs (NM_001438293.1, NM_001438295.1); c.495del, p.Asn166fs (NM_145862.3); c.445-151del (NM_001349956.3); short protein forms N166fs, N209fs, N197fs.
Identifiers: ClinVar variation 3640674 (VCV003640674.2).

ClinVar aggregate classification (germline): Pathogenic (1 of 4 stars; one submission).

Conditions:
Familial cancer of breast. Also called: hereditary breast carcinoma; Hereditary breast cancer; BREAST CANCER, FAMILIAL. Identifiers: Orphanet 227535, MedGen C0346153, MONDO:0016419, OMIM 114480. Disease mechanism: loss of function.

Submission:

Labcorp Genetics (formerly Invitae), Labcorp
Classification: Pathogenic for Familial cancer of breast. Last evaluated: 2024-02-14. Review status: criteria provided, single submitter. Criteria: Invitae Variant Classification Sherloc (09022015). Collection method: clinical testing. Allele origin: germline.
Comment: This sequence change creates a premature translational stop signal (p.Asn166Metfs*5) in the CHEK2 gene. It is expected to result in an absent or disrupted protein product. Loss-of-function variants in CHEK2 are known to be pathogenic (PMID: 21876083, 24713400). This variant is not present in population databases (gnomAD no frequency). This variant has not been reported in the literature in individuals affected with CHEK2-related conditions. RNA analysis provides insufficient evidence to determine the effect of this variant on CHEK2 splicing (Invitae). For these reasons, this variant has been classified as Pathogenic.

Literature cited by the submitters: PubMed 21876083; PubMed 24713400.